The following is an entry in ClinVar:

ClinVar aggregate classification (germline): Uncertain significance (1 of 4 stars; one submission).

Allele frequency attached by ClinVar (database versions not stated): TOPMed 0.00001; gnomAD 0.00005; gnomAD exomes 0.00006; ExAC 0.00012; 1000 Genomes Project 30x 0.00016; 1000 Genomes Project 0.00020.
gnomAD v4.1: 89 of 1,614,220 alleles (0.0055%); highest among the groups gnomAD compares: South Asian, 0.092%; 2 homozygotes.

Submission:

Labcorp Genetics (formerly Invitae), Labcorp
Classification: Uncertain significance. Last evaluated: 2023-07-19. Review status: criteria provided, single submitter. Criteria: Invitae Variant Classification Sherloc (09022015). Collection method: clinical testing. Allele origin: germline.
Comment: In summary, the available evidence is currently insufficient to determine the role of this variant in disease. Therefore, it has been classified as a Variant of Uncertain Significance. An algorithm developed to predict the effect of missense changes on protein structure and function (PolyPhen-2) suggests that this variant is likely to be disruptive. This variant has not been reported in the literature in individuals affected with SLC30A7-related conditions. This variant is present in population databases (rs529720665, gnomAD 0.09%), and has an allele count higher than expected for a pathogenic variant. This sequence change replaces proline, which is neutral and non-polar, with threonine, which is neutral and polar, at codon 3 of the SLC30A7 protein (p.Pro3Thr).

NM_133496.5(SLC30A7):c.7C>A (p.Pro3Thr)

Genes: SLC30A7 (solute carrier family 30 member 7; plus strand), LOC129931031 (ATAC-STARR-seq lymphoblastoid active region 1388; plus strand). Cytogenetic location: 1p21.2.
Variant type: single nucleotide variant.
Coding change: c.7C>A on transcript NM_133496.5 (MANE Select); coding-DNA position 7, C replaced by A.
Protein change: p.Pro3Thr; replaces proline 3 with threonine.
Molecular consequence: missense variant.
Genome position (GRCh38, 1-based): chr1:100,896,269, C>A. VCF-style: chr1-100896269-C-A. GRCh37 (hg19) VCF-style: chr1-101361825-C-A.
Other names: c.7C>A, p.Pro3Thr (NM_001144884.2); short protein forms P3T.
Identifiers: ClinVar variation 2719996 (VCV002719996.3), dbSNP rs529720665, ClinGen allele CA971944.